The following is an entry in ClinVar:

ClinVar aggregate classification (germline): Likely pathogenic (1 of 4 stars; one submission).

Conditions:
Epidermodysplasia verruciformis, susceptibility to, 1. Identifiers: Orphanet 302, MedGen C4722564, MONDO:0100045, OMIM 226400.

gnomAD v4.1: 1 of 1,604,582 alleles (0.000062%); no homozygotes.

Submission:

Juno Genomics, Hangzhou Juno Genomics, Inc
Classification: Likely pathogenic for Epidermodysplasia verruciformis, susceptibility to, 1. Review status: criteria provided, single submitter. Criteria: ACMG Guidelines, 2015. Collection method: clinical testing. Allele origin: germline.
Comment: Null variant in a gene where loss of function (LOF) is a known mechanism of disease.;Absent from controls (or at extremely low frequency if recessive) in Genome Aggregation Database.

NM_001127198.5(TMC6):c.1849C>T (p.Gln617Ter)

Gene: TMC6 (transmembrane channel like 6; minus strand). Cytogenetic location: 17q25.3.
Variant type: single nucleotide variant.
Coding change: c.1849C>T on transcript NM_001127198.5 (MANE Select); coding-DNA position 1849, C replaced by T.
Protein change: p.Gln617Ter; replaces glutamine 617 with a stop codon.
Molecular consequence: nonsense. On other transcripts: non-coding transcript variant (4).
Genome position (GRCh38, 1-based): chr17:78,119,009, G>A on the plus strand (C>T on the coding strand, the complement: TMC6 is on the minus strand). VCF-style: chr17-78119009-G-A. GRCh37 (hg19) VCF-style: chr17-76115090-G-A.
Other names: c.1849C>T, p.Gln617Ter (NM_001321185.1, NM_001374596.1, NM_001375353.1 and 2 more transcripts); c.1669C>T, p.Gln557Ter (NM_001374593.1, NM_001374594.1); short protein forms Q557*, Q617*.
Identifiers: ClinVar variation 5005828 (VCV005005828.2).